The following is an entry in ClinVar:

ClinVar aggregate classification (germline): Uncertain significance (1 of 4 stars; one submission).

Conditions:
NIK deficiency. Also called: Primary immunodeficiency with multifaceted aberrant lymphoid immunity. Identifiers: Orphanet 447731, MedGen C5680065, MONDO:0018642.

Allele frequency attached by ClinVar (database versions not stated): gnomAD exomes below 0.00001.
gnomAD v4.1: 1 of 1,601,428 alleles (0.000062%); highest among the groups gnomAD compares: Non-Finnish European, 0.000085%; no homozygotes.

Submission:

Labcorp Genetics (formerly Invitae), Labcorp
Classification: Uncertain significance for NIK deficiency. Last evaluated: 2021-12-22. Review status: criteria provided, single submitter. Criteria: Invitae Variant Classification Sherloc (09022015). Collection method: clinical testing. Allele origin: germline.
Comment: The frequency data for this variant in the population databases is considered unreliable, as metrics indicate poor data quality at this position in the gnomAD database. This sequence change replaces serine, which is neutral and polar, with leucine, which is neutral and non-polar, at codon 796 of the MAP3K14 protein (p.Ser796Leu). Experimental studies and prediction algorithms are not available or were not evaluated, and the functional significance of this variant is currently unknown. This variant has not been reported in the literature in individuals affected with MAP3K14-related conditions. In summary, the available evidence is currently insufficient to determine the role of this variant in disease. Therefore, it has been classified as a Variant of Uncertain Significance.

NM_003954.5(MAP3K14):c.2387C>T (p.Ser796Leu)

Genes: MAP3K14-AS1 (MAP3K14 antisense RNA 1; plus strand), MAP3K14 (mitogen-activated protein kinase kinase kinase 14; minus strand), LOC126862575 (CDK7 strongly-dependent group 2 enhancer GRCh37_chr17:43344006-43345205; plus strand). Cytogenetic location: 17q21.31.
Variant type: single nucleotide variant.
Coding change: c.2387C>T on transcript NM_003954.5 (MANE Select); coding-DNA position 2387, C replaced by T.
Protein change: p.Ser796Leu; replaces serine 796 with leucine.
Molecular consequence: missense variant. On other transcripts: non-coding transcript variant (5).
Genome position (GRCh38, 1-based): chr17:45,267,138, G>A on the plus strand (C>T on the coding strand, the complement: MAP3K14 is on the minus strand). VCF-style: chr17-45267138-G-A. GRCh37 (hg19) VCF-style: chr17-43344505-G-A.
Other names: short protein forms S796L.
Identifiers: ClinVar variation 2053995 (VCV002053995.4), dbSNP rs1324820802, ClinGen allele CA399873022.